The following is an entry in ClinVar:

NM_000535.7(PMS2):c.1482G>C (p.Ser494=)

Gene: PMS2 (PMS1 homolog 2, mismatch repair system component; minus strand). Cytogenetic location: 7p22.1.
Variant type: single nucleotide variant.
Coding change: c.1482G>C on transcript NM_000535.7 (MANE Select); coding-DNA position 1482, G replaced by C.
Protein change: p.Ser494=; no amino-acid change (serine 494 retained).
Molecular consequence: synonymous variant. On other transcripts: non-coding transcript variant (1), intron variant (1).
Genome position (GRCh38, 1-based): chr7:5,987,283, C>G on the plus strand (G>C on the coding strand, the complement: PMS2 is on the minus strand). VCF-style: chr7-5987283-C-G. GRCh37 (hg19) VCF-style: chr7-6026914-C-G.
Other names: c.1077G>C, p.Ser359= (NM_001018040.1, NM_001322003.2, NM_001322004.2 and 17 more transcripts); c.1326G>C, p.Ser442= (NM_001322006.2, NM_001406870.1); c.1164G>C, p.Ser388= (NM_001322007.2, NM_001322008.2, NM_001406876.1 and 2 more transcripts); c.921G>C, p.Ser307= (NM_001322010.2, NM_001406906.1, NM_001406907.1); c.549G>C, p.Ser183= (NM_001322011.2, NM_001322012.2); c.909G>C, p.Ser303= (NM_001322013.2, NM_001406909.1); c.1482G>C, p.Ser494= (NM_001322014.2, NM_001406871.1, NM_001406872.1); c.1173G>C, p.Ser391= (NM_001322015.2, NM_001406875.1, NM_001406877.1 and 5 more transcripts); and 13 more.
Identifiers: ClinVar variation 1773604 (VCV001773604.6), dbSNP rs864622398, ClinGen allele CA453747897.

ClinVar aggregate classification (germline): Benign/Likely benign. Review status: criteria provided, multiple submitters, no conflicts (2 of 4 stars). 3 submissions from 3 submitters: Benign (1); Likely benign (2). Last evaluated 2025-01-30.

Conditions:
Hereditary nonpolyposis colorectal neoplasms. Identifiers: MedGen C0009405, MeSH D003123.
Hereditary cancer-predisposing syndrome. Also called: Hereditary Cancer Syndrome; Hereditary neoplastic syndrome; Neoplastic Syndromes, Hereditary; Tumor predisposition. Identifiers: Orphanet 140162, MedGen C0027672, MeSH D009386, MONDO:0015356.
Lynch syndrome 4 (LYNCH4). Also called: Hereditary non-polyposis colorectal cancer, type 4; Colorectal cancer, hereditary nonpolyposis, type 4. Identifiers: Orphanet 144, MedGen C1838333, MONDO:0013699, OMIM 614337. Disease mechanism: loss of function.

Submissions (3):

Myriad Genetics, Inc.
Classification: Benign for Lynch syndrome 4. Last evaluated: 2025-01-30. Review status: criteria provided, single submitter. Criteria: Myriad Autosomal Dominant, Autosomal Recessive and X-Linked Classification Criteria (2023). Collection method: clinical testing. Allele origin: unknown.
Comment: This variant is considered benign. This variant is a silent/synonymous amino acid change and it is not expected to impact splicing.

Labcorp Genetics (formerly Invitae), Labcorp
Classification: Likely benign for Hereditary nonpolyposis colorectal neoplasms. Last evaluated: 2024-02-23. Review status: criteria provided, single submitter. Criteria: Invitae Variant Classification Sherloc (09022015). Collection method: clinical testing. Allele origin: germline.

Ambry Genetics
Classification: Likely benign for Hereditary cancer-predisposing syndrome. Last evaluated: 2021-08-22. Review status: criteria provided, single submitter. Criteria: Ambry Variant Classification Scheme 2023. Collection method: clinical testing. Allele origin: germline.